The following is an entry in ClinVar:

ClinVar aggregate classification (germline): Conflicting classifications of pathogenicity. Review status: criteria provided, conflicting classifications (1 of 4 stars). 7 submissions from 7 submitters: Uncertain significance (6); Likely benign (1). Last evaluated 2025-12-16.

Conditions:
Progressive familial heart block type IB (PFHB1B). Identifiers: Orphanet 871, MedGen C1970298, MONDO:0011474, OMIM 604559.
Erythrokeratodermia variabilis et progressiva 6. Identifiers: MedGen C5193144, MONDO:0032801, OMIM 618531.
Cardiovascular phenotype. Identifiers: MedGen CN230736.

Allele frequency attached by ClinVar (database versions not stated): ExAC 0.00002; gnomAD exomes 0.00003 and 0.00004; TOPMed 0.00003; gnomAD 0.00004 and 0.00006; 1000 Genomes Project 30x 0.00031; 1000 Genomes Project 0.00040.

Submissions (7):

Labcorp Genetics (formerly Invitae), Labcorp
Classification: Uncertain significance for Progressive familial heart block type IB. Last evaluated: 2025-12-16. Review status: criteria provided, single submitter. Criteria: Invitae Variant Classification Sherloc (09022015). Collection method: clinical testing. Allele origin: germline.
Comment: This sequence change affects a donor splice site in intron 9 of the TRPM4 gene. It is expected to disrupt RNA splicing. Variants that disrupt the donor or acceptor splice site typically lead to a loss of protein function (PMID: 16199547), however the current clinical and genetic evidence is not sufficient to establish whether loss-of-function variants in TRPM4 cause disease. This variant is present in population databases (rs200132598, gnomAD 0.005%). Disruption of this splice site has been observed in individual(s) with clinical features of Brugada syndrome (PMID: 30142439). ClinVar contains an entry for this variant (Variation ID: 522784). Studies have shown that disruption of this splice site alters mRNA splicing and is expected to lead to the loss of protein expression (PMID: 30142439). In summary, the available evidence is currently insufficient to determine the role of this variant in disease. Therefore, it has been classified as a Variant of Uncertain Significance.

Ambry Genetics
Classification: Uncertain significance for Cardiovascular phenotype. Last evaluated: 2025-06-17. Review status: criteria provided, single submitter. Criteria: Ambry Variant Classification Scheme 2023. Collection method: clinical testing. Allele origin: germline.
Comment: The c.1150+1G>A intronic variant results from a G to A substitution one nucleotide after coding exon 9 of the TRPM4 gene. This variant has been detected in an individual with abnormal ECG possibly suggestive of Brugada syndrome. Results from a minigene study by the same group indicated this variant may result in exon 9 skipping (Janin A et al. Eur J Med Genet, 2019 Jun;62:103527). In silico splice site analysis predicts that this alteration will weaken the native splice donor site. Alterations that disrupt the canonical splice site are expected to cause aberrant splicing, resulting in an abnormal protein or a transcript that is subject to nonsense-mediated mRNA decay. However, loss of function of TRPM4 has not been established as a mechanism of disease. Based on the available evidence, the clinical significance of this variant remains unclear.

Blueprint Genetics
Classification: Likely benign. Last evaluated: 2024-09-02. Review status: criteria provided, single submitter. Criteria: ACMG Guidelines, 2015. Collection method: clinical testing. Allele origin: germline.

GeneDx
Classification: Uncertain significance. Last evaluated: 2024-05-13. Review status: criteria provided, single submitter. Criteria: GeneDx Variant Classification Process June 2021. Collection method: clinical testing. Allele origin: germline. Affected: yes.
Comment: Identified in an individual with isolated exertional dysplnea and abnormal electrocardiogram in published literature (PMID: 30142439); A published functional study suggests that c.1150+1G>A leads to skipping of exon 9 and a predicted null allele (PMID: 30142439); Canonical splice site variant in a gene or region of a gene for which loss of function is not a well-established mechanism of disease; This variant is associated with the following publications: (PMID: 34426522, 30142439)

Fulgent Genetics
Classification: Uncertain significance for Progressive familial heart block type IB; Erythrokeratodermia variabilis et progressiva 6. Last evaluated: 2021-09-16. Review status: criteria provided, single submitter. Criteria: ACMG Guidelines, 2015. Collection method: clinical testing. Allele origin: unknown.

Genomic Research Center, Shahid Beheshti University of Medical Sciences
Classification: Uncertain significance for Progressive familial heart block type IB. Last evaluated: 2020-05-03. Review status: criteria provided, single submitter. Criteria: ACMG Guidelines, 2015. Collection method: clinical testing. Allele origin: unknown. Affected: yes.

Eurofins Ntd Llc (ga)
Classification: Uncertain significance. Last evaluated: 2017-08-01. Review status: criteria provided, single submitter. Criteria: EGL Classification Definitions 2015. Collection method: clinical testing. Allele origin: germline. Observed: 1 variant allele, 1 heterozygote.

Literature cited by the submitters: PubMed 16199547 (cited by Labcorp Genetics (formerly Invitae), Labcorp); PubMed 30142439 (cited by Labcorp Genetics (formerly Invitae), Labcorp and Ambry Genetics).

NM_017636.4(TRPM4):c.1150+1G>A

Gene: TRPM4 (transient receptor potential cation channel subfamily M member 4; plus strand). Cytogenetic location: 19q13.33.
Variant type: single nucleotide variant.
Coding change: c.1150+1G>A on transcript NM_017636.4 (MANE Select); the canonical splice donor site of the intron after coding-DNA position 1150, G replaced by A.
Molecular consequence: splice donor variant. On other transcripts: intron variant (1).
Genome position (GRCh38, 1-based): chr19:49,172,109, G>A. VCF-style: chr19-49172109-G-A. GRCh37 (hg19) VCF-style: chr19-49675366-G-A.
Other names: c.1150+1G>A (NM_001195227.2); c.-404+1G>A (NM_001321282.2); c.805+1G>A (NM_001321281.2); c.628+1G>A (NM_001321283.2); c.201+340G>A (NM_001321285.2).
Identifiers: ClinVar variation 522784 (VCV000522784.19), dbSNP rs200132598, ClinGen allele CA9569088.